The following is an entry in ClinVar:

NM_001130438.3(SPTAN1):c.3599A>G (p.His1200Arg)

Gene: SPTAN1 (spectrin alpha, non-erythrocytic 1; plus strand). Cytogenetic location: 9q34.11.
Variant type: single nucleotide variant.
Coding change: c.3599A>G on transcript NM_001130438.3 (MANE Select); coding-DNA position 3599, A replaced by G.
Protein change: p.His1200Arg; replaces histidine 1200 with arginine.
Molecular consequence: missense variant.
Genome position (GRCh38, 1-based): chr9:128,603,562, A>G. VCF-style: chr9-128603562-A-G. GRCh37 (hg19) VCF-style: chr9-131365841-A-G.
Other names: c.3539A>G, p.His1180Arg (NM_001195532.2, NM_001363765.2); c.3599A>G, p.His1200Arg (NM_001363759.2, NM_003127.4); short protein forms H1200R, H1180R.
Identifiers: ClinVar variation 385475 (VCV000385475.14), dbSNP rs745798632, ClinGen allele CA5264988.

ClinVar aggregate classification (germline): Conflicting classifications of pathogenicity. Review status: criteria provided, conflicting classifications (1 of 4 stars). 4 submissions from 4 submitters: Uncertain significance (2); Likely benign (2). Last evaluated 2023-08-17.

Conditions:
Early-infantile DEE. Also called: Early infantile epileptic encephalopathy; Early infantile epileptic encephalopathy with suppression bursts; Ohtahara syndrome. Identifiers: Orphanet 1934, MedGen C0393706, MONDO:0800491.
Inborn genetic diseases. Identifiers: MedGen C0950123, MeSH D030342.
Developmental and epileptic encephalopathy, 5 (DEE5). Identifiers: Orphanet 3451, MedGen C3150731, MONDO:0013277, OMIM 613477.

Allele frequency attached by ClinVar (database versions not stated): TOPMed below 0.00001; ExAC 0.00001; gnomAD exomes 0.00001.
gnomAD v4.1: 7 of 1,614,194 alleles (0.00043%); highest among the groups gnomAD compares: Admixed American, 0.0033%; no homozygotes.

Submissions (4):

Labcorp Genetics (formerly Invitae), Labcorp
Classification: Uncertain significance for Early-infantile DEE. Last evaluated: 2023-08-17. Review status: criteria provided, single submitter. Criteria: Invitae Variant Classification Sherloc (09022015). Collection method: clinical testing. Allele origin: germline.
Comment: In summary, the available evidence is currently insufficient to determine the role of this variant in disease. Therefore, it has been classified as a Variant of Uncertain Significance. Advanced modeling of protein sequence and biophysical properties (such as structural, functional, and spatial information, amino acid conservation, physicochemical variation, residue mobility, and thermodynamic stability) has been performed at Invitae for this missense variant, however the output from this modeling did not meet the statistical confidence thresholds required to predict the impact of this variant on SPTAN1 protein function. ClinVar contains an entry for this variant (Variation ID: 385475). This variant has not been reported in the literature in individuals affected with SPTAN1-related conditions. This variant is present in population databases (rs745798632, gnomAD 0.006%). This sequence change replaces histidine, which is basic and polar, with arginine, which is basic and polar, at codon 1200 of the SPTAN1 protein (p.His1200Arg).

Ambry Genetics
Classification: Likely benign for Inborn genetic diseases. Last evaluated: 2022-08-17. Review status: criteria provided, single submitter. Criteria: Ambry Variant Classification Scheme 2023. Collection method: clinical testing. Allele origin: germline.

Genome-Nilou Lab
Classification: Uncertain significance for Developmental and epileptic encephalopathy, 5. Last evaluated: 2021-07-15. Review status: criteria provided, single submitter. Criteria: ACMG Guidelines, 2015. Collection method: clinical testing. Allele origin: germline. Affected: no.

GeneDx
Classification: Likely benign. Last evaluated: 2016-04-27. Review status: criteria provided, single submitter. Criteria: GeneDx Variant Classification (06012015). Collection method: clinical testing. Allele origin: germline. Affected: yes.
Comment: This variant is considered likely benign or benign based on one or more of the following criteria: it is a conservative change, it occurs at a poorly conserved position in the protein, it is predicted to be benign by multiple in silico algorithms, and/or has population frequency not consistent with disease.